The following is an entry in ClinVar:

NM_006521.6(TFE3):c.1408G>A (p.Gly470Ser)

Gene: TFE3 (transcription factor binding to IGHM enhancer 3; minus strand). Cytogenetic location: Xp11.23.
Variant type: single nucleotide variant.
Coding change: c.1408G>A on transcript NM_006521.6 (MANE Select); coding-DNA position 1408, G replaced by A.
Protein change: p.Gly470Ser; replaces glycine 470 with serine.
Molecular consequence: missense variant.
Genome position (GRCh38, 1-based): chrX:49,030,478, C>T on the plus strand (G>A on the coding strand, the complement: TFE3 is on the minus strand). VCF-style: chrX-49030478-C-T. GRCh37 (hg19) VCF-style: chrX-48887989-C-T.
Other names: c.1093G>A, p.Gly365Ser (NM_001282142.2); short protein forms G365S, G470S.
Identifiers: ClinVar variation 2368736 (VCV002368736.6), dbSNP rs147974460, ClinGen allele CA10407660.
Genomic context (GRCh38, chrX:49,030,478, plus strand): 5'-GATGGGGAGCATTCTGGGCAGGTCCCCCCCCTACATGGAACGTTGCTGCGCCTGGCCTGC[C>T]CTCCTCCTCAATGTCCAGCTGCTCTGGCTTGAGGCTGTCAGAAGCCGAAGTCGTGGCCAA-3'
Protein context (NP_006512.2, residues 460-480): KPEQLDIEEE[Gly470Ser]RPGAATFHVG

ClinVar aggregate classification (germline): Likely benign. Review status: criteria provided, multiple submitters, no conflicts (2 of 4 stars). 2 submissions from 2 submitters: Likely benign (2). Last evaluated 2026-02-01.

Conditions:
Inborn genetic diseases. Identifiers: MedGen C0950123, MeSH D030342.

Allele frequency attached by ClinVar (database versions not stated): ExAC 0.00006; TOPMed 0.00011; gnomAD 0.00016; gnomAD exomes 0.00022; ESP Exome Variant Server 0.00047.
gnomAD v4.1: 258 of 1,209,636 alleles (0.021%); highest among the groups gnomAD compares: Non-Finnish European, 0.027%; no homozygotes.

Submissions (2):

CeGaT Center for Human Genetics Tuebingen
Classification: Likely benign. Last evaluated: 2026-02-01. Review status: criteria provided, single submitter. Criteria: CeGaT Center For Human Genetics Tuebingen Variant Classification Criteria Version 2. Collection method: clinical testing. Allele origin: germline. Affected: yes. Observed: 1 variant allele.
Comment: TFE3: BP4, BS2

Ambry Genetics
Classification: Likely benign for Inborn genetic diseases. Last evaluated: 2022-09-06. Review status: criteria provided, single submitter. Criteria: Ambry Variant Classification Scheme 2023. Collection method: clinical testing. Allele origin: germline.